The following is an entry in ClinVar:

NM_001006658.3(CR2):c.2086C>G (p.Leu696Val)

Gene: CR2 (complement C3d receptor 2; plus strand). Cytogenetic location: 1q32.2.
Variant type: single nucleotide variant.
Coding change: c.2086C>G on transcript NM_001006658.3 (MANE Select); coding-DNA position 2086, C replaced by G.
Protein change: p.Leu696Val; replaces leucine 696 with valine.
Molecular consequence: missense variant. On other transcripts: intron variant (1).
Genome position (GRCh38, 1-based): chr1:207,473,652, C>G. VCF-style: chr1-207473652-C-G. GRCh37 (hg19) VCF-style: chr1-207646997-C-G.
Other names: c.1979-149C>G (NM_001877.5); short protein forms L696V.
Identifiers: ClinVar variation 2223358 (VCV002223358.4), dbSNP rs139928902, ClinGen allele CA1368876.

ClinVar aggregate classification (germline): Uncertain significance. Review status: criteria provided, multiple submitters, no conflicts (2 of 4 stars). 3 submissions from 3 submitters: Uncertain significance (3). Last evaluated 2024-03-18.

Conditions:
Inborn genetic diseases. Identifiers: MedGen C0950123, MeSH D030342.
Immunodeficiency, common variable, 7. Identifiers: Orphanet 1572, Orphanet 696894, MedGen C3542922, MONDO:0013862, OMIM 614699.

Allele frequency attached by ClinVar (database versions not stated): ExAC 0.00001; TOPMed 0.00001; gnomAD 0.00002; gnomAD exomes 0.00003; ESP Exome Variant Server 0.00008.
gnomAD v4.1: 42 of 1,613,894 alleles (0.0026%); highest among the groups gnomAD compares: Non-Finnish European, 0.0035%; no homozygotes.

Submissions (3):

Labcorp Genetics (formerly Invitae), Labcorp
Classification: Uncertain significance for Immunodeficiency, common variable, 7. Last evaluated: 2024-03-18. Review status: criteria provided, single submitter. Criteria: Invitae Variant Classification Sherloc (09022015). Collection method: clinical testing. Allele origin: germline.
Comment: This sequence change replaces leucine, which is neutral and non-polar, with valine, which is neutral and non-polar, at codon 696 of the CR2 protein (p.Leu696Val). This variant is present in population databases (rs139928902, gnomAD 0.005%). This variant has not been reported in the literature in individuals affected with CR2-related conditions. ClinVar contains an entry for this variant (Variation ID: 2223358). An algorithm developed to predict the effect of missense changes on protein structure and function (PolyPhen-2) suggests that this variant is likely to be disruptive. In summary, the available evidence is currently insufficient to determine the role of this variant in disease. Therefore, it has been classified as a Variant of Uncertain Significance.

Ambry Genetics
Classification: Uncertain significance for Inborn genetic diseases. Last evaluated: 2022-12-14. Review status: criteria provided, single submitter. Criteria: Ambry Variant Classification Scheme 2023. Collection method: clinical testing. Allele origin: germline.

Blueprint Genetics
Classification: Uncertain significance. Last evaluated: 2021-04-12. Review status: criteria provided, single submitter. Criteria: ACMG Guidelines, 2015. Collection method: clinical testing. Allele origin: germline.